The following is an entry in ClinVar:

NM_153704.6(TMEM67):c.778T>C (p.Tyr260His)

Gene: TMEM67 (transmembrane protein 67; plus strand). Cytogenetic location: 8q22.1.
Variant type: single nucleotide variant.
Coding change: c.778T>C on transcript NM_153704.6 (MANE Select); coding-DNA position 778, T replaced by C.
Protein change: p.Tyr260His; replaces tyrosine 260 with histidine.
Molecular consequence: missense variant. On other transcripts: non-coding transcript variant (1).
Genome position (GRCh38, 1-based): chr8:93,780,656, T>C. VCF-style: chr8-93780656-T-C. GRCh37 (hg19) VCF-style: chr8-94792884-T-C.
Other names: c.535T>C, p.Tyr179His (NM_001142301.1); short protein forms Y260H, Y179H.
Identifiers: ClinVar variation 4998777 (VCV004998777.1).

ClinVar aggregate classification (germline): Uncertain significance (1 of 4 stars; one submission).

Conditions:
TMEM67-related disorder. Also called: TMEM67-related condition; TMEM67-related disorders. Identifiers: MedGen CN239423.

Submission:

PreventionGenetics, part of Exact Sciences
Classification: Uncertain significance for TMEM67-related condition. Last evaluated: 2025-03-19. Review status: criteria provided, single submitter. Criteria: ACMG Guidelines, 2015. Collection method: clinical testing. Allele origin: germline.
Comment: The TMEM67 c.778T>C variant is predicted to result in the amino acid substitution p.Tyr260His. To our knowledge, this variant has not been reported in the literature or in a large population database (gnomAD), indicating this variant is rare. At this time, the clinical significance of this variant is uncertain due to the absence of conclusive functional and genetic evidence.